The following is an entry in ClinVar:

ClinVar aggregate classification (germline): Uncertain significance (1 of 4 stars; one submission).

Conditions:
Leukocyte adhesion deficiency 3. Also called: Leukocyte adhesion deficiency, type III; INTEGRIN ACTIVATION DEFICIENCY DISEASE; LEUKOCYTE ADHESION DEFICIENCY 1 VARIANT. Identifiers: Orphanet 2968, Orphanet 99844, MedGen C2748536, MONDO:0013016, OMIM 612840.

Allele frequency attached by ClinVar (database versions not stated): gnomAD exomes 0.00001.
gnomAD v4.1: 3 of 1,606,480 alleles (0.00019%); highest among the groups gnomAD compares: Admixed American, 0.0051%; no homozygotes.

Submission:

Labcorp Genetics (formerly Invitae), Labcorp
Classification: Uncertain significance for Leukocyte adhesion deficiency 3. Last evaluated: 2022-05-06. Review status: criteria provided, single submitter. Criteria: Invitae Variant Classification Sherloc (09022015). Collection method: clinical testing. Allele origin: germline.
Comment: This sequence change replaces isoleucine, which is neutral and non-polar, with threonine, which is neutral and polar, at codon 301 of the FERMT3 protein (p.Ile301Thr). This variant is present in population databases (no rsID available, gnomAD 0.006%). This variant has not been reported in the literature in individuals affected with FERMT3-related conditions. Algorithms developed to predict the effect of missense changes on protein structure and function are either unavailable or do not agree on the potential impact of this missense change (SIFT: "Deleterious"; PolyPhen-2: "Possibly Damaging"; Align-GVGD: "Class C0"). In summary, the available evidence is currently insufficient to determine the role of this variant in disease. Therefore, it has been classified as a Variant of Uncertain Significance.

NM_031471.6(FERMT3):c.902T>C (p.Ile301Thr)

Gene: FERMT3 (FERM domain containing kindlin 3; plus strand). Cytogenetic location: 11q13.1.
Variant type: single nucleotide variant.
Coding change: c.902T>C on transcript NM_031471.6 (MANE Select); coding-DNA position 902, T replaced by C.
Protein change: p.Ile301Thr; replaces isoleucine 301 with threonine.
Molecular consequence: missense variant.
Genome position (GRCh38, 1-based): chr11:64,219,531, T>C. VCF-style: chr11-64219531-T-C. GRCh37 (hg19) VCF-style: chr11-63987003-T-C.
Other names: c.902T>C, p.Ile301Thr (NM_001382361.1, NM_001382362.1, NM_001382448.1 and 1 more transcripts); c.362T>C, p.Ile121Thr (NM_001382363.1, NM_001382364.1); short protein forms I301T, I121T.
Identifiers: ClinVar variation 1345455 (VCV001345455.8), dbSNP rs1376001840, ClinGen allele CA381084978.